The following is an entry in ClinVar:

NM_000303.3(PMM2):c.305A>G (p.Tyr102Cys)

Gene: PMM2 (phosphomannomutase 2; plus strand). Cytogenetic location: 16p13.2.
Variant type: single nucleotide variant.
Coding change: c.305A>G on transcript NM_000303.3 (MANE Select); coding-DNA position 305, A replaced by G.
Protein change: p.Tyr102Cys; replaces tyrosine 102 with cysteine.
Molecular consequence: missense variant.
Genome position (GRCh38, 1-based): chr16:8,806,365, A>G. VCF-style: chr16-8806365-A-G. GRCh37 (hg19) VCF-style: chr16-8900222-A-G.
Other names: short protein forms Y102C.
Identifiers: ClinVar variation 550875 (VCV000550875.4), dbSNP rs1187245939, ClinGen allele CA394696231.

ClinVar aggregate classification (germline): Conflicting classifications of pathogenicity. Review status: criteria provided, conflicting classifications (1 of 4 stars). 3 submissions from 3 submitters: Likely pathogenic (1); Uncertain significance (1). 1 of the submissions does not count toward it. Last evaluated 2024-08-13.

Conditions:
PMM2-congenital disorder of glycosylation. Also called: Congenital disorder of glycosylation, type Ia; CDG Ia; JAEKEN SYNDROME; PHOSPHOMANNOMUTASE 2 DEFICIENCY; CARBOHYDRATE-DEFICIENT GLYCOPROTEIN SYNDROME, TYPE Ia; PMM2-CDG. Identifiers: Orphanet 79318, MedGen C0349653, MONDO:0008907, OMIM 212065.

Allele frequency attached by ClinVar (database versions not stated): gnomAD exomes below 0.00001; TOPMed below 0.00001; gnomAD 0.00001.

Submissions (3):

GeneDx
Classification: Likely pathogenic. Last evaluated: 2024-08-13. Review status: criteria provided, single submitter. Criteria: GeneDx Variant Classification Process June 2021. Collection method: clinical testing. Allele origin: germline. Affected: yes.
Comment: Published functional studies demonstrate a damaging effect, as the Y102C variant results in reduced enzymatic activity in vitro (PMID: 35789514); Not observed at significant frequency in large population cohorts (gnomAD); In silico analysis supports that this missense variant has a deleterious effect on protein structure/function; This variant is associated with the following publications: (PMID: 23430838, 35789514, 34732400)

Women's Health and Genetics/Laboratory Corporation of America, LabCorp
Classification: Uncertain significance. Last evaluated: 2024-07-30. Review status: criteria provided, single submitter. Criteria: LabCorp Variant Classification Summary - May 2015. Collection method: clinical testing. Allele origin: germline.
Comment: Variant summary: PMM2 c.305A>G (p.Tyr102Cys) results in a non-conservative amino acid change in the encoded protein sequence. Five of five in-silico tools predict a damaging effect of the variant on protein function. The variant was absent in 251452 control chromosomes. c.305A>G has been reported in the literature in an compound heterozygous individual affected with clinical features of Congenital Disorder Of Glycosylation Type 1a (Schon_2021). These data do not allow any conclusion about variant significance. At least one publication reports experimental evidence evaluating an impact on protein function. The most pronounced variant effect results in 30%-50% of normal activity in an in vitro assay (Segovia-Falquina_2022). The following publications have been ascertained in the context of this evaluation (PMID: 34732400, 35789514). ClinVar contains an entry for this variant (Variation ID: 550875). Based on the evidence outlined above, the variant was classified as VUS-possibly pathogenic.

Counsyl
Classification: Uncertain significance for PMM2-congenital disorder of glycosylation. Last evaluated: 2017-03-22. Review status: no assertion criteria provided. Collection method: clinical testing. Allele origin: unknown. Not counted in ClinVar's aggregate classification.

Literature cited by the submitters: PubMed 23430838 (cited by Women's Health and Genetics/Laboratory Corporation of America, LabCorp and Counsyl); PubMed 34732400 (cited by Women's Health and Genetics/Laboratory Corporation of America, LabCorp); PubMed 35789514 (cited by Women's Health and Genetics/Laboratory Corporation of America, LabCorp).